The following is an entry in ClinVar:

NM_001323289.2(CDKL5):c.2157A>T (p.Pro719=)

Gene: CDKL5 (cyclin dependent kinase like 5; plus strand). Cytogenetic location: Xp22.13.
Variant type: single nucleotide variant.
Coding change: c.2157A>T on transcript NM_001323289.2 (MANE Select); coding-DNA position 2157, A replaced by T.
Protein change: p.Pro719=; no amino-acid change (proline 719 retained).
Molecular consequence: synonymous variant.
Genome position (GRCh38, 1-based): chrX:18,613,156, A>T. VCF-style: chrX-18613156-A-T. GRCh37 (hg19) VCF-style: chrX-18631276-A-T.
Other names: c.2157A>T, p.Pro719= (NM_001037343.2, NM_003159.3).
Identifiers: ClinVar variation 496927 (VCV000496927.32), dbSNP rs200333632, ClinGen allele CA10360506.
Genomic context (GRCh38, chrX:18,613,156, plus strand): 5'-AAAAAAAAAAAAAAAAAAAGAAAAGTCCATCAGTGACTTACTTTTTCTTTATTCAGTGCC[A>T]TCTCCACGTCCAGACAATTCTTTCCATGAAAATAATGTGTCAACTAGAGTTTCTTCTCTA-3'
Protein context (NP_001310218.1, residues 709-729): PRRVGSFYRV[Pro719=]SPRPDNSFHE

ClinVar aggregate classification (germline): Benign/Likely benign. Review status: criteria provided, multiple submitters, no conflicts (2 of 4 stars). 4 submissions from 4 submitters: Benign (1); Likely benign (3). Last evaluated 2025-10-20.

Conditions:
Angelman syndrome-like. Identifiers: MedGen CN128785.
Developmental and epileptic encephalopathy, 2 (DEE2). Also called: INFANTILE SPASM SYNDROME, X-LINKED 2; CDKL5 deficiency disorder. Identifiers: Orphanet 1934, Orphanet 3451, Orphanet 505652, MedGen C4750718, MONDO:0010396, OMIM 300672.

Allele frequency attached by ClinVar (database versions not stated): gnomAD 0.00010; TOPMed 0.00011; 1000 Genomes Project 30x 0.00042.
gnomAD v4.1: 62 of 1,181,451 alleles (0.0052%); highest among the groups gnomAD compares: East Asian, 0.18%; no homozygotes.

Submissions (6):

Labcorp Genetics (formerly Invitae), Labcorp
Classification: Benign for Developmental and epileptic encephalopathy, 2; Angelman syndrome-like. Last evaluated: 2025-10-20. Review status: criteria provided, single submitter. Criteria: Invitae Variant Classification Sherloc (09022015). Collection method: clinical testing. Allele origin: germline.

CeGaT Center for Human Genetics Tuebingen
Classification: Likely benign. Last evaluated: 2024-07-01. Review status: criteria provided, single submitter. Criteria: CeGaT Center For Human Genetics Tuebingen Variant Classification Criteria Version 2. Collection method: clinical testing. Allele origin: germline. Affected: yes. Observed: 1 variant allele.
Comment: CDKL5: BP4, BP7, BS2

Blueprint Genetics
Classification: Likely benign. Last evaluated: 2023-07-13. Review status: criteria provided, single submitter. Criteria: ACMG Guidelines, 2015. Collection method: clinical testing. Allele origin: germline.

Eurofins Ntd Llc (ga)
Classification: Likely benign. Last evaluated: 2017-02-21. Review status: criteria provided, single submitter. Criteria: EGL Classification Definitions 2015. Collection method: clinical testing. Allele origin: germline. Observed: 1 variant allele, 1 heterozygote.

Dr. Peter K. Rogan Lab, Western University
No classification provided (evidence only). Condition: Melanoma. Review status: no classification provided. Collection method: in vitro. Allele origin: not applicable. Functional consequence: retained intron. Not counted in ClinVar's aggregate classification.

Dr. Peter K. Rogan Lab, Western University
No classification provided (evidence only). Condition: Hepatocellular carcinoma. Review status: no classification provided. Collection method: in vitro. Allele origin: not applicable. Functional consequence: retained intron. Not counted in ClinVar's aggregate classification.